The following is an entry in ClinVar:

ClinVar aggregate classification (germline): Uncertain significance (1 of 4 stars; one submission).

Conditions:
EIF4G1-related disorder. Also called: EIF4G1-related condition.

Allele frequency attached by ClinVar (database versions not stated): gnomAD exomes below 0.00001; gnomAD 0.00001.
gnomAD v4.1: 2 of 1,607,242 alleles (0.00012%); highest among the groups gnomAD compares: Admixed American, 0.0034%; no homozygotes.

Submission:

PreventionGenetics, part of Exact Sciences
Classification: Uncertain significance for EIF4G1-related condition. Last evaluated: 2025-09-17. Review status: criteria provided, single submitter. Criteria: ACMG Guidelines, 2015. Collection method: clinical testing. Allele origin: germline.
Comment: The EIF4G1 c.475G>T variant is predicted to result in the amino acid substitution p.Ala159Ser. To our knowledge, this variant has not been reported in the literature. This variant is reported in 0.0059% of alleles in individuals of Latino descent in gnomAD. At this time, the clinical significance of this variant is uncertain due to the absence of conclusive functional and genetic evidence.

NM_198241.3(EIF4G1):c.475G>T (p.Ala159Ser)

Gene: EIF4G1 (eukaryotic translation initiation factor 4 gamma 1; plus strand). Cytogenetic location: 3q27.1.
Variant type: single nucleotide variant.
Coding change: c.475G>T on transcript NM_198241.3 (MANE Select); coding-DNA position 475, G replaced by T.
Protein change: p.Ala159Ser; replaces alanine 159 with serine.
Molecular consequence: missense variant. On other transcripts: 5 prime UTR variant (1).
Genome position (GRCh38, 1-based): chr3:184,319,739, G>T. VCF-style: chr3-184319739-G-T. GRCh37 (hg19) VCF-style: chr3-184037527-G-T.
Other names: c.496G>T, p.Ala166Ser (NM_001194946.2, NM_001194947.2); c.355G>T, p.Ala119Ser (NM_001291157.2); c.475G>T, p.Ala159Ser (NM_182917.4); c.-18G>T (NM_198242.3); c.214G>T, p.Ala72Ser (NM_198244.3); short protein forms A119S, A159S, A166S, A72S.
Identifiers: ClinVar variation 2629995 (VCV002629995.2), dbSNP rs1194803734, ClinGen allele CA355454299.
Genomic context (GRCh38, chr3:184,319,739, plus strand): 5'-CTCCCCCAAGCTGGCGCCTACTATCCAGCCCAAGGGGTGCAGCAGTTTCCCACTGGCGTG[G>T]CCCCCACCCCAGTTTTGATGAACCAGCCACCCCAGATTGCTCCCAAGAGGGAGCGTAAGA-3'
Protein context (NP_937884.2, residues 149-169): QGVQQFPTGV[Ala159Ser]PTPVLMNQPP